The following is an entry in ClinVar:

ClinVar aggregate classification (germline): Uncertain significance (1 of 4 stars; one submission).

Conditions:
Muscular dystrophy-dystroglycanopathy type B6 (MDDGB6). Also called: MUSCULAR DYSTROPHY, CONGENITAL, LARGE-RELATED; MUSCULAR DYSTROPHY, CONGENITAL, TYPE 1D; MUSCULAR DYSTROPHY-DYSTROGLYCANOPATHY (CONGENITAL WITH IMPAIRED INTELLECTUAL DEVELOPMENT), TYPE B, 6. Identifiers: MedGen C1837229, MONDO:0012138, OMIM 608840.

Allele frequency attached by ClinVar (database versions not stated): TOPMed 0.00001.

Submission:

Labcorp Genetics (formerly Invitae), Labcorp
Classification: Uncertain significance for Muscular dystrophy-dystroglycanopathy type B6. Last evaluated: 2021-08-27. Review status: criteria provided, single submitter. Criteria: Invitae Variant Classification Sherloc (09022015). Collection method: clinical testing. Allele origin: germline.
Comment: This sequence change replaces glutamic acid with aspartic acid at codon 112 of the LARGE1 protein (p.Glu112Asp). The glutamic acid residue is moderately conserved and there is a small physicochemical difference between glutamic acid and aspartic acid. This variant is not present in population databases (ExAC no frequency). This variant has not been reported in the literature in individuals affected with LARGE1-related conditions. Algorithms developed to predict the effect of missense changes on protein structure and function are either unavailable or do not agree on the potential impact of this missense change (SIFT: "Deleterious"; PolyPhen-2: "Benign"; Align-GVGD: "Class C0"). In summary, the available evidence is currently insufficient to determine the role of this variant in disease. Therefore, it has been classified as a Variant of Uncertain Significance.

NM_133642.5(LARGE1):c.336G>T (p.Glu112Asp)

Gene: LARGE1 (LARGE xylosyl- and glucuronyltransferase 1; minus strand). Cytogenetic location: 22q12.3.
Variant type: single nucleotide variant.
Coding change: c.336G>T on transcript NM_133642.5 (MANE Select); coding-DNA position 336, G replaced by T.
Protein change: p.Glu112Asp; replaces glutamic acid 112 with aspartic acid.
Molecular consequence: missense variant.
Genome position (GRCh38, 1-based): chr22:33,650,439, C>A on the plus strand (G>T on the coding strand, the complement: LARGE1 is on the minus strand). VCF-style: chr22-33650439-C-A. GRCh37 (hg19) VCF-style: chr22-34046425-C-A.
Other names: c.336G>T, p.Glu112Asp (NM_001362949.2, NM_001362951.2, NM_001362953.2 and 7 more transcripts); short protein forms E112D.
Identifiers: ClinVar variation 1054807 (VCV001054807.6), dbSNP rs1555983855, ClinGen allele CA411546147.